The following is an entry in ClinVar:

NM_001365536.1(SCN9A):c.2816C>T (p.Ala939Val)

Genes: SCN9A (sodium voltage-gated channel alpha subunit 9; minus strand), SCN1A-AS1 (SCN1A and SCN9A antisense RNA 1; plus strand). Cytogenetic location: 2q24.3.
Variant type: single nucleotide variant.
Coding change: c.2816C>T on transcript NM_001365536.1 (MANE Select); coding-DNA position 2816, C replaced by T.
Protein change: p.Ala939Val; replaces alanine 939 with valine.
Molecular consequence: missense variant.
Genome position (GRCh38, 1-based): chr2:166,277,041, G>A on the plus strand (C>T on the coding strand, the complement: SCN9A is on the minus strand). VCF-style: chr2-166277041-G-A. GRCh37 (hg19) VCF-style: chr2-167133551-G-A.
Other names: c.2783C>T, p.Ala928Val (NM_002977.4); short protein forms A928V, A939V.
Identifiers: ClinVar variation 961015 (VCV000961015.10), dbSNP rs1697266313, ClinGen allele CA349077184.

ClinVar aggregate classification (germline): Uncertain significance (1 of 4 stars; one submission).

Conditions:
Generalized epilepsy with febrile seizures plus, type 7 (GEFSP7). Also called: GEFS+, TYPE 7. Identifiers: Orphanet 36387, MedGen C2751778, MONDO:0013470, OMIM 613863.
Neuropathy, hereditary sensory and autonomic, type 2A (HSAN2A). Also called: HSAN IIA; ACROOSTEOLYSIS, GIACCAI TYPE; ACROOSTEOLYSIS, NEUROGENIC; WNK1-Related HSAN2 (HSAN2A); MORVAN DISEASE; NEUROPATHY, CONGENITAL SENSORY. Identifiers: Orphanet 970, MedGen C2752089, MONDO:0024309, OMIM 201300.

Submission:

Labcorp Genetics (formerly Invitae), Labcorp
Classification: Uncertain significance for Neuropathy, hereditary sensory and autonomic, type 2A; Generalized epilepsy with febrile seizures plus, type 7. Last evaluated: 2019-09-24. Review status: criteria provided, single submitter. Criteria: Invitae Variant Classification Sherloc (09022015). Collection method: clinical testing. Allele origin: germline.
Comment: Algorithms developed to predict the effect of missense changes on protein structure and function are either unavailable or do not agree on the potential impact of this missense change (SIFT: "Deleterious"; PolyPhen-2: "Probably Damaging"; Align-GVGD: "Class C0"). This variant has not been reported in the literature in individuals with SCN9A-related conditions. This variant is not present in population databases (ExAC no frequency). This sequence change replaces alanine with valine at codon 928 of the SCN9A protein (p.Ala928Val). The alanine residue is highly conserved and there is a small physicochemical difference between alanine and valine. In summary, the available evidence is currently insufficient to determine the role of this variant in disease. Therefore, it has been classified as a Variant of Uncertain Significance.